The following is an entry in ClinVar:

ClinVar aggregate classification (germline): Likely pathogenic (1 of 4 stars; one submission).

Allele frequency attached by ClinVar (database versions not stated): gnomAD exomes below 0.00001; gnomAD 0.00001; TOPMed 0.00001; ExAC 0.00002.
gnomAD v4.1: 9 of 1,614,066 alleles (0.00056%); highest among the groups gnomAD compares: East Asian, 0.0067%; no homozygotes.

Submission:

CeGaT Center for Human Genetics Tuebingen
Classification: Likely pathogenic. Last evaluated: 2024-05-01. Review status: criteria provided, single submitter. Criteria: CeGaT Center For Human Genetics Tuebingen Variant Classification Criteria Version 2. Collection method: clinical testing. Allele origin: germline. Affected: yes. Observed: 1 variant allele.
Comment: GBA1: PM1, PM5, PS4:Moderate, PM2:Supporting

NM_000157.4(GBA1):c.1292A>G (p.Asn431Ser)

Genes: GBA1 (glucosylceramidase beta 1; minus strand), LOC106627981 (GBA recombination region; plus strand). Cytogenetic location: 1q22.
Variant type: single nucleotide variant.
Coding change: c.1292A>G on transcript NM_000157.4 (MANE Select); coding-DNA position 1292, A replaced by G.
Protein change: p.Asn431Ser; replaces asparagine 431 with serine.
Molecular consequence: missense variant.
Genome position (GRCh38, 1-based): chr1:155,235,777, T>C on the plus strand (A>G on the coding strand, the complement: GBA1 is on the minus strand). VCF-style: chr1-155235777-T-C. GRCh37 (hg19) VCF-style: chr1-155205568-T-C.
Other names: c.1292A>G, p.Asn431Ser (NM_001005741.3, NM_001005742.3); c.1031A>G, p.Asn344Ser (NM_001171811.2); c.1145A>G, p.Asn382Ser (NM_001171812.2); short protein forms N344S, N382S, N431S.
Identifiers: ClinVar variation 3239090 (VCV003239090.19), dbSNP rs77738682.